The following is an entry in ClinVar:

NM_015001.3(SPEN):c.4075A>G (p.Ile1359Val)

Gene: SPEN (spen family transcriptional repressor; plus strand). Cytogenetic location: 1p36.13.
Variant type: single nucleotide variant.
Coding change: c.4075A>G on transcript NM_015001.3 (MANE Select); coding-DNA position 4075, A replaced by G.
Protein change: p.Ile1359Val; replaces isoleucine 1359 with valine.
Molecular consequence: missense variant.
Genome position (GRCh38, 1-based): chr1:15,930,315, A>G. VCF-style: chr1-15930315-A-G. GRCh37 (hg19) VCF-style: chr1-16256810-A-G.
Other names: short protein forms I1359V.
Identifiers: ClinVar variation 4681656 (VCV004681656.5).

ClinVar aggregate classification (germline): Likely benign (1 of 4 stars; one submission).

gnomAD v4.1: 12 of 1,614,074 alleles (0.00074%); highest among the groups gnomAD compares: Admixed American, 0.0033%; no homozygotes.

Submission:

CeGaT Center for Human Genetics Tuebingen
Classification: Likely benign. Last evaluated: 2025-12-01. Review status: criteria provided, single submitter. Criteria: CeGaT Center For Human Genetics Tuebingen Variant Classification Criteria Version 2. Collection method: clinical testing. Allele origin: germline. Affected: yes. Observed: 1 variant allele.
Comment: SPEN: BP4